The following is an entry in ClinVar:

ClinVar aggregate classification (germline): Likely benign. Review status: criteria provided, multiple submitters, no conflicts (2 of 4 stars). 3 submissions from 3 submitters: Likely benign (2). 1 of the submissions does not count toward it. Last evaluated 2026-01-26.

Conditions:
ADAM9-related disorder. Also called: ADAM9-related condition.

Allele frequency attached by ClinVar (database versions not stated): gnomAD exomes 0.00009 and 0.00021; ExAC 0.00026; 1000 Genomes Project 0.00080; gnomAD 0.00084 and 0.00091; ESP Exome Variant Server 0.00085; TOPMed 0.00087; 1000 Genomes Project 30x 0.00094.
gnomAD v4.1: 268 of 1,614,060 alleles (0.017%); highest among the groups gnomAD compares: African/African-American, 0.3%; 1 homozygote.

Submissions (3):

Labcorp Genetics (formerly Invitae), Labcorp
Classification: Likely benign. Last evaluated: 2026-01-26. Review status: criteria provided, single submitter. Criteria: Invitae Variant Classification Sherloc (09022015). Collection method: clinical testing. Allele origin: germline.

Blueprint Genetics
Classification: Likely benign. Last evaluated: 2024-07-19. Review status: criteria provided, single submitter. Criteria: ACMG Guidelines, 2015. Collection method: clinical testing. Allele origin: germline.

PreventionGenetics, part of Exact Sciences
Classification: Likely benign for ADAM9-related condition. Last evaluated: 2024-08-12. Review status: no assertion criteria provided. Collection method: clinical testing. Allele origin: germline. Not counted in ClinVar's aggregate classification.
Comment: This variant is classified as likely benign based on ACMG/AMP sequence variant interpretation guidelines (Richards et al. 2015 PMID: 25741868, with internal and published modifications).

NM_003816.3(ADAM9):c.2249C>T (p.Pro750Leu)

Gene: ADAM9 (ADAM metallopeptidase domain 9; plus strand). Cytogenetic location: 8p11.22.
Variant type: single nucleotide variant.
Coding change: c.2249C>T on transcript NM_003816.3 (MANE Select); coding-DNA position 2249, C replaced by T.
Protein change: p.Pro750Leu; replaces proline 750 with leucine.
Molecular consequence: missense variant. On other transcripts: non-coding transcript variant (3).
Genome position (GRCh38, 1-based): chr8:39,091,297, C>T. VCF-style: chr8-39091297-C-T. GRCh37 (hg19) VCF-style: chr8-38948816-C-T.
Other names: c.2249C>T (NM_003816.2); short protein forms P750L.
Identifiers: ClinVar variation 1127276 (VCV001127276.9), dbSNP rs144750648, ClinGen allele CA4721850.